The following is an entry in ClinVar:

NM_020937.4(FANCM):c.3659T>G (p.Ile1220Ser)

Gene: FANCM (FA complementation group M; plus strand). Cytogenetic location: 14q21.2.
Variant type: single nucleotide variant.
Coding change: c.3659T>G on transcript NM_020937.4 (MANE Select); coding-DNA position 3659, T replaced by G.
Protein change: p.Ile1220Ser; replaces isoleucine 1220 with serine.
Molecular consequence: missense variant.
Genome position (GRCh38, 1-based): chr14:45,176,413, T>G. VCF-style: chr14-45176413-T-G. GRCh37 (hg19) VCF-style: chr14-45645616-T-G.
Other names: c.3581T>G, p.Ile1194Ser (NM_001308133.2); short protein forms I1220S, I1194S.
Identifiers: ClinVar variation 1386616 (VCV001386616.8), dbSNP rs2139250318, ClinGen allele CA389602500.

ClinVar aggregate classification (germline): Uncertain significance (1 of 4 stars; one submission).

Conditions:
Fanconi anemia (FA). Also called: Fanconi's anemia. Identifiers: Orphanet 84, MedGen C0015625, MeSH D005199, MONDO:0019391.

Allele frequency attached by ClinVar (database versions not stated): gnomAD exomes below 0.00001.
gnomAD v4.1: 3 of 1,613,166 alleles (0.00019%); highest among the groups gnomAD compares: Non-Finnish European, 0.00017%; no homozygotes.

Submission:

Labcorp Genetics (formerly Invitae), Labcorp
Classification: Uncertain significance for Fanconi anemia. Last evaluated: 2021-02-15. Review status: criteria provided, single submitter. Criteria: Invitae Variant Classification Sherloc (09022015). Collection method: clinical testing. Allele origin: germline.
Comment: In summary, the available evidence is currently insufficient to determine the role of this variant in disease. Therefore, it has been classified as a Variant of Uncertain Significance. Algorithms developed to predict the effect of missense changes on protein structure and function output the following: SIFT: "Tolerated"; PolyPhen-2: "Benign"; Align-GVGD: "Class C0". The serine amino acid residue is found in multiple mammalian species, suggesting that this missense change does not adversely affect protein function. These predictions have not been confirmed by published functional studies and their clinical significance is uncertain. This variant has not been reported in the literature in individuals with FANCM-related conditions. This variant is not present in population databases (ExAC no frequency). This sequence change replaces isoleucine with serine at codon 1220 of the FANCM protein (p.Ile1220Ser). The isoleucine residue is weakly conserved and there is a large physicochemical difference between isoleucine and serine.